The following is an entry in ClinVar:

NM_018060.4(IARS2):c.788A>G (p.Glu263Gly)

Gene: IARS2 (isoleucyl-tRNA synthetase 2, mitochondrial; plus strand). Cytogenetic location: 1q41.
Variant type: single nucleotide variant.
Coding change: c.788A>G on transcript NM_018060.4 (MANE Select); coding-DNA position 788, A replaced by G.
Protein change: p.Glu263Gly; replaces glutamic acid 263 with glycine.
Molecular consequence: missense variant.
Genome position (GRCh38, 1-based): chr1:220,102,533, A>G. VCF-style: chr1-220102533-A-G. GRCh37 (hg19) VCF-style: chr1-220275875-A-G.
Other names: c.788A>G (NM_018060.3); short protein forms E263G.
Identifiers: ClinVar variation 1967406 (VCV001967406.4), dbSNP rs746455426, ClinGen allele CA1401224.

ClinVar aggregate classification (germline): Uncertain significance. Review status: criteria provided, multiple submitters, no conflicts (2 of 4 stars). 2 submissions from 2 submitters: Uncertain significance (2). Last evaluated 2025-08-21.

Conditions:
Inborn genetic diseases. Identifiers: MedGen C0950123, MeSH D030342.

Allele frequency attached by ClinVar (database versions not stated): TOPMed below 0.00001; ExAC 0.00001; gnomAD exomes 0.00001.
gnomAD v4.1: 6 of 1,614,048 alleles (0.00037%); highest among the groups gnomAD compares: Admixed American, 0.01%; no homozygotes.

Submissions (2):

Ambry Genetics
Classification: Uncertain significance for Inborn genetic diseases. Last evaluated: 2025-08-21. Review status: criteria provided, single submitter. Criteria: Ambry Variant Classification Scheme 2023. Collection method: clinical testing. Allele origin: germline.

Labcorp Genetics (formerly Invitae), Labcorp
Classification: Uncertain significance. Last evaluated: 2022-07-05. Review status: criteria provided, single submitter. Criteria: Invitae Variant Classification Sherloc (09022015). Collection method: clinical testing. Allele origin: germline.
Comment: In summary, the available evidence is currently insufficient to determine the role of this variant in disease. Therefore, it has been classified as a Variant of Uncertain Significance. Algorithms developed to predict the effect of missense changes on protein structure and function are either unavailable or do not agree on the potential impact of this missense change (SIFT: "Tolerated"; PolyPhen-2: "Possibly Damaging"; Align-GVGD: "Class C0"). This variant has not been reported in the literature in individuals affected with IARS2-related conditions. This variant is present in population databases (rs746455426, gnomAD 0.01%). This sequence change replaces glutamic acid, which is acidic and polar, with glycine, which is neutral and non-polar, at codon 263 of the IARS2 protein (p.Glu263Gly).